The following is an entry in ClinVar:

ClinVar aggregate classification (germline): Uncertain significance (1 of 4 stars; one submission).

Conditions:
Cardiovascular phenotype. Identifiers: MedGen CN230736.

Submission:

Ambry Genetics
Classification: Uncertain significance for Cardiovascular phenotype. Last evaluated: 2021-06-23. Review status: criteria provided, single submitter. Criteria: Ambry Variant Classification Scheme 2023. Collection method: clinical testing. Allele origin: germline.
Comment: The p.R292P variant (also known as c.875G>C), located in coding exon 5 of the ACTC1 gene, results from a G to C substitution at nucleotide position 875. The arginine at codon 292 is replaced by proline, an amino acid with dissimilar properties. This amino acid position is conserved. In addition, this alteration is predicted to be deleterious by in silico analysis. Since supporting evidence is limited at this time, the clinical significance of this alteration remains unclear.

NM_005159.5(ACTC1):c.875G>C (p.Arg292Pro)

Genes: ACTC1 (actin alpha cardiac muscle 1; minus strand), GJD2-DT (GJD2 divergent transcript; plus strand). Cytogenetic location: 15q14.
Variant type: single nucleotide variant.
Coding change: c.875G>C on transcript NM_005159.5 (MANE Select); coding-DNA position 875, G replaced by C.
Protein change: p.Arg292Pro; replaces arginine 292 with proline.
Molecular consequence: missense variant.
Genome position (GRCh38, 1-based): chr15:34,791,229, C>G on the plus strand (G>C on the coding strand, the complement: ACTC1 is on the minus strand). VCF-style: chr15-34791229-C-G. GRCh37 (hg19) VCF-style: chr15-35083430-C-G.
Other names: c.875G>C, p.Arg292Pro (NM_001406482.1, NM_001406483.1); c.740G>C, p.Arg247Pro (NM_001406484.1); c.434G>C, p.Arg145Pro (NM_001406485.1); short protein forms R247P, R292P, R145P.
Identifiers: ClinVar variation 1764572 (VCV001764572.2), dbSNP rs2504177555, ClinGen allele CA391629519.